The following is an entry in ClinVar:

ClinVar aggregate classification (germline): Uncertain significance (1 of 4 stars; one submission).

Conditions:
Short-rib thoracic dysplasia 6 with or without polydactyly (SRTD6). Also called: SHORT RIB-POLYDACTYLY SYNDROME, TYPE IIA; POLYDACTYLY WITH NEONATAL CHONDRODYSTROPHY, TYPE II; Majewski Syndrome; SHORT-RIB THORACIC DYSPLASIA 6 WITH POLYDACTYLY; SHORT-RIB THORACIC DYSPLASIA 6 WITHOUT POLYDACTYLY. Identifiers: MedGen C0024507, MONDO:0009894, OMIM 263520.

Submission:

Labcorp Genetics (formerly Invitae), Labcorp
Classification: Uncertain significance for Short-rib thoracic dysplasia 6 with or without polydactyly. Last evaluated: 2022-03-04. Review status: criteria provided, single submitter. Criteria: Invitae Variant Classification Sherloc (09022015). Collection method: clinical testing. Allele origin: germline.
Comment: Algorithms developed to predict the effect of sequence changes on RNA splicing suggest that this variant may disrupt the consensus splice site. In summary, the available evidence is currently insufficient to determine the role of this variant in disease. Therefore, it has been classified as a Variant of Uncertain Significance. This variant has not been reported in the literature in individuals affected with NEK1-related conditions. This variant is not present in population databases (gnomAD no frequency). This sequence change affects codon 429 of the NEK1 mRNA. It is a 'silent' change, meaning that it does not change the encoded amino acid sequence of the NEK1 protein.

NM_001199397.3(NEK1):c.1287A>G (p.Gly429=)

Gene: NEK1 (NIMA related kinase 1; minus strand). Cytogenetic location: 4q33.
Variant type: single nucleotide variant.
Coding change: c.1287A>G on transcript NM_001199397.3 (MANE Select); coding-DNA position 1287, A replaced by G.
Protein change: p.Gly429=; no amino-acid change (glycine 429 retained).
Molecular consequence: synonymous variant. On other transcripts: non-coding transcript variant (1).
Genome position (GRCh38, 1-based): chr4:169,556,075, T>C on the plus strand (A>G on the coding strand, the complement: NEK1 is on the minus strand). VCF-style: chr4-169556075-T-C. GRCh37 (hg19) VCF-style: chr4-170477226-T-C.
Other names: c.1287A>G, p.Gly429= (NM_001199398.3, NM_001199400.3, NM_001374418.1 and 2 more transcripts); c.1212A>G, p.Gly404= (NM_001199399.3); c.1236A>G, p.Gly412= (NM_001374420.1); c.1161A>G, p.Gly387= (NM_001374421.1).
Identifiers: ClinVar variation 2186027 (VCV002186027.4), dbSNP rs1171198021, ClinGen allele CA442532853.